The following is an entry in ClinVar:

NM_000051.4(ATM):c.9103C>A (p.Leu3035Ile)

Genes: ATM (ATM serine/threonine kinase; plus strand), C11orf65 (chromosome 11 open reading frame 65; minus strand). Cytogenetic location: 11q22.3.
Variant type: single nucleotide variant.
Coding change: c.9103C>A on transcript NM_000051.4 (MANE Select); coding-DNA position 9103, C replaced by A.
Protein change: p.Leu3035Ile; replaces leucine 3035 with isoleucine.
Molecular consequence: missense variant. On other transcripts: intron variant (2).
Genome position (GRCh38, 1-based): chr11:108,365,440, C>A. VCF-style: chr11-108365440-C-A. GRCh37 (hg19) VCF-style: chr11-108236167-C-A.
Other names: c.9103C>A, p.Leu3035Ile (NM_001351834.2); c.640+20480G>T (NM_001330368.2); c.694+20480G>T (NM_001351110.2); short protein forms L3035I.
Identifiers: ClinVar variation 482645 (VCV000482645.8), dbSNP rs866769874, ClinGen allele CA228384101.

ClinVar aggregate classification (germline): Uncertain significance (1 of 4 stars; one submission).

Conditions:
Hereditary cancer-predisposing syndrome. Also called: Neoplastic Syndromes, Hereditary; Hereditary Cancer Syndrome; Tumor predisposition; Hereditary neoplastic syndrome. Identifiers: Orphanet 140162, MedGen C0027672, MeSH D009386, MONDO:0015356.

Submission:

Ambry Genetics
Classification: Uncertain significance for Hereditary cancer-predisposing syndrome. Last evaluated: 2025-03-20. Review status: criteria provided, single submitter. Criteria: Ambry Variant Classification Scheme 2023. Collection method: clinical testing. Allele origin: germline.
Comment: The p.L3035I variant (also known as c.9103C>A), located in coding exon 62 of the ATM gene, results from a C to A substitution at nucleotide position 9103. The leucine at codon 3035 is replaced by isoleucine, an amino acid with highly similar properties. This variant was observed in 1/287 patients with hereditary breast and/or ovarian cancer; In addition, this alteration is predicted to be deleterious by in silico analysis. Based on the available evidence, the clinical significance of this variant remains unclear.

Literature cited by the submitters: PubMed 26898890.